The following is an entry in ClinVar:

NM_001130144.3(LTBP3):c.3605_3623dup (p.Arg1209fs)

Gene: LTBP3 (latent transforming growth factor beta binding protein 3; minus strand). Cytogenetic location: 11q13.1.
Variant type: Duplication.
Coding change: c.3605_3623dup on transcript NM_001130144.3 (MANE Select); coding-DNA positions 3605 to 3623, 19 bases duplicated (TGCTGTTGGGGAAGCCCCC).
Protein change: p.Arg1209fs; shifts the reading frame from arginine 1209.
Molecular consequence: frameshift variant.
Genome position (GRCh38, 1-based): chr11:65,539,553-65,539,571, GGGGGCTTCCCCAACAGCA duplicated on the plus strand (TGCTGTTGGGGAAGCCCCC on the coding strand, the reverse complement: LTBP3 is on the minus strand); duplicating any 19 consecutive bases within chr11:65,539,553-65,539,579 gives the same sequence; the c. name uses the placement nearest the transcript's 3' end. VCF-style (leftmost placement, unchanged base first): chr11-65539552-T-TGGGGGCTTCCCCAACAGCA. GRCh37 (hg19) VCF-style: chr11-65307023-T-TGGGGGCTTCCCCAACAGCA.
Other names: c.3113_3131dup, p.Arg1045fs (NM_001164266.1); c.3464_3482dup, p.Arg1162fs (NM_021070.4); c.3605_3623dup19 (NM_001130144.2); short protein forms R1045fs, R1209fs, R1162fs.
Identifiers: ClinVar variation 2194168 (VCV002194168.5), dbSNP rs1463397648, ClinGen allele CA679328677.
Genomic context (GRCh38, chr11:65,539,552, plus strand): 5'-CTGAGCCCCGGCCAAAGGCTACCAACCCCGCCACCGCCCGACCCGGCAGCACTCACCTCT[T>TGGGGGCTTCCCCAACAGCA]GGGGGCTTCCCCAACAGCAGGGGGCTTGTGTCCCAGAAGGAATTGCTCTCGCTCTGCGAT-3'

ClinVar aggregate classification (germline): Pathogenic/Likely pathogenic. Review status: criteria provided, multiple submitters, no conflicts (2 of 4 stars). 2 submissions from 2 submitters: Pathogenic (1); Likely pathogenic (1). Last evaluated 2023-05-30.

Conditions:
LTBP3-related disorder. Also called: LTBP3-related condition.
Brachyolmia-amelogenesis imperfecta syndrome. Also called: PLATYSPONDYLY WITH AMELOGENESIS IMPERFECTA; Tooth agenesis, selective, 6; Dental anomalies and short stature. Identifiers: Orphanet 2899, MedGen C1832594, MONDO:0011018, OMIM 601216. Disease mechanism: loss of function.

Submissions (2):

PreventionGenetics, part of Exact Sciences
Classification: Likely pathogenic for LTBP3-related condition. Last evaluated: 2023-05-30. Review status: criteria provided, single submitter. Criteria: ACMG Guidelines, 2015. Collection method: clinical testing. Allele origin: germline.
Comment: The LTBP3 c.3605_3623dup19 variant is predicted to result in a frameshift and premature protein termination (p.Arg1209Alafs*9). To our knowledge, this variant has not been reported in the literature or in a large population database, indicating this variant is rare. Frameshift variants in LTBP3 are expected to be pathogenic. This variant is interpreted as likely pathogenic.

Labcorp Genetics (formerly Invitae), Labcorp
Classification: Pathogenic for Brachyolmia-amelogenesis imperfecta syndrome. Last evaluated: 2022-09-27. Review status: criteria provided, single submitter. Criteria: Invitae Variant Classification Sherloc (09022015). Collection method: clinical testing. Allele origin: germline.
Comment: This variant is not present in population databases (gnomAD no frequency). This sequence change creates a premature translational stop signal (p.Arg1209Alafs*9) in the LTBP3 gene. It is expected to result in an absent or disrupted protein product. Loss-of-function variants in LTBP3 are known to be pathogenic (PMID: 11790802, 19344874, 25669657). For these reasons, this variant has been classified as Pathogenic. This variant has not been reported in the literature in individuals affected with LTBP3-related conditions.

Literature cited by the submitters: PubMed 11790802 (cited by Labcorp Genetics (formerly Invitae), Labcorp); PubMed 19344874 (cited by Labcorp Genetics (formerly Invitae), Labcorp); PubMed 25669657 (cited by Labcorp Genetics (formerly Invitae), Labcorp).